The following is an entry in ClinVar:

NM_171998.4(RAB39B):c.281G>A (p.Arg94His)

Gene: RAB39B (RAB39B, member RAS oncogene family; minus strand). Cytogenetic location: Xq28.
Variant type: single nucleotide variant.
Coding change: c.281G>A on transcript NM_171998.4 (MANE Select); coding-DNA position 281, G replaced by A.
Protein change: p.Arg94His; replaces arginine 94 with histidine.
Molecular consequence: missense variant.
Genome position (GRCh38, 1-based): chrX:155,261,164, C>T on the plus strand (G>A on the coding strand, the complement: RAB39B is on the minus strand). VCF-style: chrX-155261164-C-T. GRCh37 (hg19) VCF-style: chrX-154490449-C-T.
Other names: short protein forms R94H.
Identifiers: ClinVar variation 1367655 (VCV001367655.6), dbSNP rs782363257, ClinGen allele CA10569221.

ClinVar aggregate classification (germline): Uncertain significance (1 of 4 stars; one submission).

Allele frequency attached by ClinVar (database versions not stated): gnomAD exomes below 0.00001; ExAC 0.00001; gnomAD 0.00001; TOPMed 0.00001.

Submission:

Labcorp Genetics (formerly Invitae), Labcorp
Classification: Uncertain significance. Last evaluated: 2022-07-19. Review status: criteria provided, single submitter. Criteria: Invitae Variant Classification Sherloc (09022015). Collection method: clinical testing. Allele origin: germline.
Comment: In summary, the available evidence is currently insufficient to determine the role of this variant in disease. Therefore, it has been classified as a Variant of Uncertain Significance. Algorithms developed to predict the effect of missense changes on protein structure and function are either unavailable or do not agree on the potential impact of this missense change (SIFT: "Tolerated"; PolyPhen-2: "Probably Damaging"; Align-GVGD: "Class C0"). ClinVar contains an entry for this variant (Variation ID: 1367655). This variant has not been reported in the literature in individuals affected with RAB39B-related conditions. This variant is present in population databases (rs782363257, gnomAD 0.01%), including at least one homozygous and/or hemizygous individual. This sequence change replaces arginine, which is basic and polar, with histidine, which is basic and polar, at codon 94 of the RAB39B protein (p.Arg94His).